The following is an entry in ClinVar:

NM_000038.6(APC):c.-19+7791T>G

Gene: APC (APC regulator of WNT signaling pathway; plus strand). Cytogenetic location: 5q22.2.
Variant type: single nucleotide variant.
Coding change: c.-19+7791T>G on transcript NM_000038.6 (MANE Select); 7791 bases into the intron after 19 bases upstream of the start codon, T replaced by G.
Molecular consequence: intron variant.
Genome position (GRCh38, 1-based): chr5:112,745,716, T>G. VCF-style: chr5-112745716-T-G. GRCh37 (hg19) VCF-style: chr5-112081413-T-G.
Other names: c.-18-9157T>G (NM_001354895.2); c.166-20610T>G (NM_001354897.2, NM_001354902.2, NM_001127511.3); c.-19+7256T>G (NM_001127510.3); c.60+7256T>G (NM_001354898.2, NM_001354904.2); c.-1054+7791T>G (NM_001354906.2); c.-19+7791T>G (NM_001354896.2, NM_001354903.2, NM_001354899.2); c.-43+7791T>G (NM_001354900.2, NM_001354901.2, NM_001354905.2).
Identifiers: ClinVar variation 82774 (VCV000082774.2), dbSNP rs79482241, ClinGen allele CA007030.

ClinVar aggregate classification (germline): other (0 of 4 stars; one submission).

Conditions:
Familial colorectal cancer. Identifiers: MedGen CN280943, MONDO:0023113. Disease mechanism: loss of function.

Submission:

Systems Biology Platform Zhejiang California International NanoSystems Institute
Classification: other for Familial colorectal cancer. Review status: no assertion criteria provided. Collection method: not provided. Allele origin: unknown.
ClinVar note: Converted during submission from cancer to other.